The following is an entry in ClinVar:

NM_000548.5(TSC2):c.4019C>T (p.Ser1340Phe)

Gene: TSC2 (TSC complex subunit 2; plus strand). Cytogenetic location: 16p13.3.
Variant type: single nucleotide variant.
Coding change: c.4019C>T on transcript NM_000548.5 (MANE Select); coding-DNA position 4019, C replaced by T.
Protein change: p.Ser1340Phe; replaces serine 1340 with phenylalanine.
Molecular consequence: missense variant.
Genome position (GRCh38, 1-based): chr16:2,084,241, C>T. VCF-style: chr16-2084241-C-T. GRCh37 (hg19) VCF-style: chr16-2134242-C-T.
Other names: c.3818C>T, p.Ser1273Phe (NM_001077183.3); c.3950C>T, p.Ser1317Phe (NM_001114382.3); c.3710C>T, p.Ser1237Phe (NM_001318827.2); c.3674C>T, p.Ser1225Phe (NM_001318829.2); c.3287C>T, p.Ser1096Phe (NM_001318831.2); c.3851C>T, p.Ser1284Phe (NM_001318832.2); c.3821C>T, p.Ser1274Phe (NM_001363528.2); c.3887C>T, p.Ser1296Phe (NM_001370404.1); and 1 more; short protein forms S1340F, S1274F, S1225F, S1296F, S1096F, S1237F, S1317F, S1273F.
Identifiers: ClinVar variation 468059 (VCV000468059.13), dbSNP rs753656246, ClinGen allele CA050173.

ClinVar aggregate classification (germline): Conflicting classifications of pathogenicity. Review status: criteria provided, conflicting classifications (1 of 4 stars). 3 submissions from 3 submitters: Uncertain significance (1); Likely benign (2). Last evaluated 2026-01-05.

Conditions:
Tuberous sclerosis syndrome (TSC). Also called: Tuberous Sclerosis Complex; Tuberous sclerosis. Identifiers: Orphanet 805, MedGen C0041341, MONDO:0001734.
Tuberous sclerosis 2 (TSC2). Identifiers: Orphanet 805, MedGen C1860707, MONDO:0013199, OMIM 613254.
Hereditary cancer-predisposing syndrome. Also called: Hereditary neoplastic syndrome; Neoplastic Syndromes, Hereditary; Tumor predisposition; Hereditary Cancer Syndrome. Identifiers: Orphanet 140162, MedGen C0027672, MeSH D009386, MONDO:0015356.

Allele frequency attached by ClinVar (database versions not stated): gnomAD 0.00001; gnomAD exomes 0.00001 and 0.00002; ExAC 0.00003.
gnomAD v4.1: 7 of 1,596,306 alleles (0.00044%); highest among the groups gnomAD compares: Admixed American, 0.0085%; no homozygotes.

Submissions (3):

Labcorp Genetics (formerly Invitae), Labcorp
Classification: Likely benign for Tuberous sclerosis 2. Last evaluated: 2026-01-05. Review status: criteria provided, single submitter. Criteria: Invitae Variant Classification Sherloc (09022015). Collection method: clinical testing. Allele origin: germline.

Ambry Genetics
Classification: Likely benign for Hereditary cancer-predisposing syndrome. Last evaluated: 2024-10-24. Review status: criteria provided, single submitter. Criteria: Ambry Variant Classification Scheme 2023. Collection method: clinical testing. Allele origin: germline.

All of Us Research Program, National Institutes of Health
Classification: Uncertain significance for Tuberous sclerosis syndrome. Last evaluated: 2024-05-30. Review status: criteria provided, single submitter. Criteria: ACMG Guidelines, 2015. Collection method: clinical testing. Allele origin: germline. Inheritance: Autosomal dominant inheritance. Observed: 1 variant allele, 1 heterozygote.
Comment: This missense variant replaces serine with phenylalanine at codon 1340 of the TSC2 protein. Computational prediction is inconclusive regarding the impact of this variant on protein structure and function (internally defined REVEL score threshold 0.5 < inconclusive < 0.7, PMID: 27666373). To our knowledge, functional studies have not been reported for this variant. This variant has not been reported in individuals affected with TSC2-related disorders in the literature. This variant has been identified in 5/219648 chromosomes in the general population by the Genome Aggregation Database (gnomAD). The available evidence is insufficient to determine the role of this variant in disease conclusively. Therefore, this variant is classified as a Variant of Uncertain Significance.

This study involves interpretation of variants in research participants for the purpose of population health screening. Participant phenotype was not available at the time of variant classification. Additional details can be found in publication PMID: 35346344, PMCID: PMC8962531